The following is an entry in ClinVar:

NM_000154.2(GALK1):c.612-1G>C

Gene: GALK1 (galactokinase 1; minus strand). Cytogenetic location: 17q25.1.
Variant type: single nucleotide variant.
Coding change: c.612-1G>C on transcript NM_000154.2 (MANE Select); the canonical splice acceptor site of the intron before coding-DNA position 612, G replaced by C.
Molecular consequence: splice acceptor variant.
Genome position (GRCh38, 1-based): chr17:75,762,886, C>G on the plus strand (G>C on the coding strand, the complement: GALK1 is on the minus strand). VCF-style: chr17-75762886-C-G. GRCh37 (hg19) VCF-style: chr17-73758967-C-G.
Other names: c.612-1G>C (NM_001381985.1).
Identifiers: ClinVar variation 4817613 (VCV004817613.2).

ClinVar aggregate classification (germline): Likely pathogenic (1 of 4 stars; one submission).

Conditions:
Deficiency of galactokinase. Also called: GALACTOSEMIA II; Galactokinase deficiency with cataracts. Identifiers: Orphanet 352, Orphanet 79237, MedGen C0268155, MONDO:0009255, OMIM 230200.

gnomAD v4.1: 1 of 1,613,256 alleles (0.000062%); no homozygotes.

Submission:

Natera, Inc.
Classification: Likely pathogenic for Deficiency of galactokinase. Last evaluated: 2024-06-10. Review status: criteria provided, single submitter. Criteria: Natera Variant Classification Schema (03/2026). Collection method: clinical testing. Allele origin: germline.
Comment: The c.612-1G>C variant in GALK1 is a canonical splice acceptor site variant predicted to affect pre-mRNA splicing, which may result in an abnormal transcript and altered protein product. This variant is expected to result in nonsense mediated decay, truncation, or a dysfunctional protein product. This variant is rare in the general population with a frequency below the threshold expected for the associated phenotype(s). Given the available evidence, this variant is classified as Likely Pathogenic.